The following is an entry in ClinVar:

ClinVar aggregate classification (germline): Pathogenic/Likely pathogenic. Review status: criteria provided, multiple submitters, no conflicts (2 of 4 stars). 3 submissions from 3 submitters: Pathogenic (2); Likely pathogenic (1). Last evaluated 2023-03-01.

Conditions:
MKS1-related disorder. Also called: MKS1-related condition; MKS1-related disorders. Identifiers: MedGen CN239382.
Meckel-Gruber syndrome. Also called: DYSENCEPHALIA SPLANCHNOCYSTICA; Dysencephalia splachnocystica; GRUBER SYNDROME. Identifiers: Orphanet 564, MedGen C0265215, MONDO:0018921.
Joubert syndrome. Also called: Familial aplasia of the vermis; JOUBERT-BOLTSHAUSER SYNDROME. Identifiers: Orphanet 475, MedGen C5979921, MONDO:0018772.

Allele frequency attached by ClinVar (database versions not stated): gnomAD exomes below 0.00001.
gnomAD v4.1: 3 of 1,551,314 alleles (0.00019%); highest among the groups gnomAD compares: South Asian, 0.0012%; no homozygotes.

Submissions (3):

Blueprint Genetics
Classification: Likely pathogenic for MKS1-related disorders. Last evaluated: 2023-03-01. Review status: criteria provided, single submitter. Criteria: ACMG Guidelines, 2015. Collection method: clinical testing. Allele origin: germline. Affected: yes. Observed: 2 variant alleles.

Labcorp Genetics (formerly Invitae), Labcorp
Classification: Pathogenic for Joubert syndrome; Meckel-Gruber syndrome. Last evaluated: 2022-05-11. Review status: criteria provided, single submitter. Criteria: Invitae Variant Classification Sherloc (09022015). Collection method: clinical testing. Allele origin: germline.
Comment: For these reasons, this variant has been classified as Pathogenic. Algorithms developed to predict the effect of sequence changes on RNA splicing suggest that this variant may create or strengthen a splice site. Advanced modeling of protein sequence and biophysical properties (such as structural, functional, and spatial information, amino acid conservation, physicochemical variation, residue mobility, and thermodynamic stability) performed at Invitae indicates that this missense variant is expected to disrupt MKS1 protein function. ClinVar contains an entry for this variant (Variation ID: 217675). This missense change has been observed in individual(s) with Joubert syndrome (PMID: 26092869, 26490104; Invitae). This variant is not present in population databases (gnomAD no frequency). This sequence change replaces aspartic acid, which is acidic and polar, with tyrosine, which is neutral and polar, at codon 19 of the MKS1 protein (p.Asp19Tyr).

UW Hindbrain Malformation Research Program, University of Washington
Classification: Pathogenic for Joubert syndrome. Last evaluated: 2015-02-23. Review status: criteria provided, single submitter. Criteria: Bachmann-Gagescu et al. (J Med Genet. 2015). Collection method: research. Allele origin: unknown. Affected: yes.

Literature cited by the submitters: PubMed 26092869 (cited by Labcorp Genetics (formerly Invitae), Labcorp); PubMed 26490104 (cited by Labcorp Genetics (formerly Invitae), Labcorp).

NM_017777.4(MKS1):c.55G>T (p.Asp19Tyr)

Genes: MKS1 (MKS transition zone complex subunit 1; minus strand), LOC130061271 (ATAC-STARR-seq lymphoblastoid active region 12461; plus strand). Cytogenetic location: 17q22.
Variant type: single nucleotide variant.
Coding change: c.55G>T on transcript NM_017777.4 (MANE Select); coding-DNA position 55, G replaced by T.
Protein change: p.Asp19Tyr; replaces aspartic acid 19 with tyrosine.
Molecular consequence: missense variant. On other transcripts: 5 prime UTR variant (1).
Genome position (GRCh38, 1-based): chr17:58,219,176, C>A on the plus strand (G>T on the coding strand, the complement: MKS1 is on the minus strand). VCF-style: chr17-58219176-C-A. GRCh37 (hg19) VCF-style: chr17-56296537-C-A.
Other names: c.-457G>T (NM_001321268.2); c.55G>T, p.Asp19Tyr (NM_001321269.2, NM_001330397.2); short protein forms D19Y.
Identifiers: ClinVar variation 217675 (VCV000217675.8), dbSNP rs863225205, ClinGen allele CA279536.